The following is an entry in ClinVar:

NM_001267550.2(TTN):c.4981A>G (p.Ile1661Val)

Gene: TTN (titin; minus strand). Cytogenetic location: 2q31.2.
Variant type: single nucleotide variant.
Coding change: c.4981A>G on transcript NM_001267550.2 (MANE Select); coding-DNA position 4981, A replaced by G.
Protein change: p.Ile1661Val; replaces isoleucine 1661 with valine.
Molecular consequence: missense variant.
Genome position (GRCh38, 1-based): chr2:178,776,883, T>C on the plus strand (A>G on the coding strand, the complement: TTN is on the minus strand). VCF-style: chr2-178776883-T-C. GRCh37 (hg19) VCF-style: chr2-179641610-T-C.
Other names: c.4981A>G, p.Ile1661Val (NM_001256850.1, NM_133378.4, NM_133379.5); c.4843A>G, p.Ile1615Val (NM_003319.4, NM_133432.3, NM_133437.4); short protein forms I1661V, I1615V.
Identifiers: ClinVar variation 196144 (VCV000196144.15), dbSNP rs749438439, ClinGen allele CA242985.
Genomic context (GRCh38, chr2:178,776,883, plus strand): 5'-GGAGGGGCTCCAGTTCTGGGGCTGCAATCTCCTTTGCTCTATATGTCCCCCGTGGGATGA[T>C]TAACTTTCTCTCTGGCTCAGGCTCTGCAAACTCAACTTCAACATTTACTTTGCATCTTGT-3'
Protein context (NP_001254479.2, residues 1651-1671): FAEPEPERKL[Ile1661Val]IPRGTYRAKE

ClinVar aggregate classification (germline): Conflicting classifications of pathogenicity. Review status: criteria provided, conflicting classifications (1 of 4 stars). 7 submissions from 7 submitters: Uncertain significance (6); Likely benign (1). Last evaluated 2026-08-17.

Conditions:
TTN-related disorder. Also called: TTN-related condition; TTN-related disease; TTN-related disorders.
Dilated cardiomyopathy 1G (CMD1G). Identifiers: Orphanet 154, MedGen C1858763, MONDO:0011400, OMIM 604145.
Autosomal recessive limb-girdle muscular dystrophy type 2J (LGMDR10). Also called: Limb-girdle muscular dystrophy, type 2J; MUSCULAR DYSTROPHY, LIMB-GIRDLE, AUTOSOMAL RECESSIVE 10. Identifiers: Orphanet 140922, MedGen C1837342, MONDO:0012127, OMIM 608807.
Cardiovascular phenotype. Identifiers: MedGen CN230736.

Allele frequency attached by ClinVar (database versions not stated): gnomAD 0.00001; TOPMed 0.00002; gnomAD exomes 0.00004.
gnomAD v4.1: 28 of 1,612,802 alleles (0.0017%); highest among the groups gnomAD compares: Non-Finnish European, 0.0024%; no homozygotes.

Submissions (7):

PreventionGenetics, part of Exact Sciences
Classification: Uncertain significance for TTN-related condition. Last evaluated: 2026-08-17. Review status: criteria provided, single submitter. Criteria: ACMG Guidelines, 2015. Collection method: clinical testing. Allele origin: germline.
Comment: The TTN c.4981A>G variant is predicted to result in the amino acid substitution p.Ile1661Val. To our knowledge, this variant has not been reported in the literature. This variant is reported in 0.0053% of alleles in individuals of European (Non-Finnish) descent in gnomAD and has conflicting interpretations in ClinVar, ranging from uncertain to likely benign (Variation ID: 196144). At this time, the clinical significance of this variant is uncertain due to the absence of conclusive functional and genetic evidence.

Molecular Diagnostic Laboratory for Inherited Cardiovascular Disease, Montreal Heart Institute
Classification: Likely benign. Last evaluated: 2025-04-09. Review status: criteria provided, single submitter. Criteria: ACMG Guidelines, 2015. Collection method: clinical testing. Allele origin: germline. Affected: no.

ARUP Laboratories, Molecular Genetics and Genomics, ARUP Laboratories
Classification: Uncertain significance. Last evaluated: 2025-03-05. Review status: criteria provided, single submitter. Criteria: ARUP Molecular Germline Variant Investigation Process 2024. Collection method: clinical testing. Allele origin: germline.
Comment: The TTN c.4981A>G; p.Ile1661Val variant (rs749438439 ; ClinVar Variation ID: 196144) is rare in the general population (<0.2% allele frequency in the Genome Aggregation Database) and has not been reported in the medical literature in association with dilated cardiomyopathy (DCM) or other TTN-related disease. The clinical relevance of rare missense variants in this gene, which are identified on average once per individual sequenced in affected populations (Herman 2012), is not well understood. Yet, evidence suggests that the vast majority of such missense variants do not contribute to the clinical outcome of DCM (Begay 2015). Thus, the clinical significance of the p.Ile1661Val variant cannot be determined with certainty. References: Begay RL et al. Role of Titin Missense Variants in Dilated Cardiomyopathy. J Am Heart Assoc. 2015 Nov 13;4(11). PMID: 26567375. Herman DS et al. Truncations of titin causing dilated cardiomyopathy. N Engl J Med. 2012 Feb 16;366(7):619-28. PMID: 22335739. Linke WA and Hamdani N. Gigantic business: titin properties and function through thick and thin. Circ Res 2014; 114(6): 1052-1068. PMID: 24625729.

Revvity Omics, Revvity
Classification: Uncertain significance. Last evaluated: 2023-11-17. Review status: criteria provided, single submitter. Criteria: ACMG Guidelines, 2015. Collection method: clinical testing. Allele origin: germline.

Ambry Genetics
Classification: Uncertain significance for Cardiovascular phenotype. Last evaluated: 2019-02-28. Review status: criteria provided, single submitter. Criteria: Ambry Variant Classification Scheme 2023. Collection method: clinical testing. Allele origin: germline.
Comment: The p.I1615V variant (also known as c.4843A>G), located in coding exon 26 of the TTN gene, results from an A to G substitution at nucleotide position 4843. The isoleucine at codon 1615 is replaced by valine, an amino acid with highly similar properties. This amino acid position is highly conserved in available vertebrate species. In addition, this alteration is predicted to be tolerated by in silico analysis. Since supporting evidence is limited at this time, the clinical significance of this alteration remains unclear.

Labcorp Genetics (formerly Invitae), Labcorp
Classification: Uncertain significance for Dilated cardiomyopathy 1G; Autosomal recessive limb-girdle muscular dystrophy type 2J. Last evaluated: 2017-02-08. Review status: criteria provided, single submitter. Criteria: Invitae Variant Classification Sherloc (09022015). Collection method: clinical testing. Allele origin: germline.

Eurofins Ntd Llc (ga)
Classification: Uncertain significance. Last evaluated: 2015-05-13. Review status: criteria provided, single submitter. Criteria: EGL Classification Definitions 2015. Collection method: clinical testing. Allele origin: germline. Observed: 1 variant allele, 1 heterozygote.